The following is an entry in ClinVar:

NM_032242.4(PLXNA1):c.4295+2T>C

Gene: PLXNA1 (plexin A1; plus strand). Cytogenetic location: 3q21.3.
Variant type: single nucleotide variant.
Coding change: c.4295+2T>C on transcript NM_032242.4 (MANE Select); the canonical splice donor site of the intron after coding-DNA position 4295, T replaced by C.
Molecular consequence: splice donor variant.
Genome position (GRCh38, 1-based): chr3:127,022,343, T>C. VCF-style: chr3-127022343-T-C. GRCh37 (hg19) VCF-style: chr3-126741186-T-C.
Identifiers: ClinVar variation 4993032 (VCV004993032.1).

ClinVar aggregate classification (germline): Uncertain significance (1 of 4 stars; one submission).

Conditions:
PLXNA1-related disorder. Also called: PLXNA1-related condition.

Submission:

PreventionGenetics, part of Exact Sciences
Classification: Uncertain significance for PLXNA1-related condition. Last evaluated: 2026-08-14. Review status: criteria provided, single submitter. Criteria: ACMG Guidelines, 2015. Collection method: clinical testing. Allele origin: germline.
Comment: The PLXNA1 c.4295+2T>C variant is predicted to disrupt the GT donor site and interfere with normal splicing. To our knowledge, this variant has not been reported in the literature or in a large population database (gnomAD), indicating this variant is rare. Although we suspect that this variant may be pathogenic, at this time, the clinical significance of this variant is uncertain due to the absence of conclusive functional and genetic evidence.